The following is an entry in ClinVar:

ClinVar aggregate classification (germline): Uncertain significance (1 of 4 stars; one submission).

Allele frequency attached by ClinVar (database versions not stated): gnomAD exomes 0.00001.

Submission:

Labcorp Genetics (formerly Invitae), Labcorp
Classification: Uncertain significance. Last evaluated: 2022-06-22. Review status: criteria provided, single submitter. Criteria: Invitae Variant Classification Sherloc (09022015). Collection method: clinical testing. Allele origin: germline.
Comment: This sequence change replaces isoleucine, which is neutral and non-polar, with phenylalanine, which is neutral and non-polar, at codon 186 of the BLOC1S3 protein (p.Ile186Phe). This variant is not present in population databases (gnomAD no frequency). This variant has not been reported in the literature in individuals affected with BLOC1S3-related conditions. Algorithms developed to predict the effect of missense changes on protein structure and function are either unavailable or do not agree on the potential impact of this missense change (SIFT: "Deleterious"; PolyPhen-2: "Probably Damaging"; Align-GVGD: "Class C0"). In summary, the available evidence is currently insufficient to determine the role of this variant in disease. Therefore, it has been classified as a Variant of Uncertain Significance.

NM_212550.5(BLOC1S3):c.556A>T (p.Ile186Phe)

Gene: BLOC1S3 (biogenesis of lysosomal organelles complex 1 subunit 3; plus strand). Cytogenetic location: 19q13.32.
Variant type: single nucleotide variant.
Coding change: c.556A>T on transcript NM_212550.5 (MANE Select); coding-DNA position 556, A replaced by T.
Protein change: p.Ile186Phe; replaces isoleucine 186 with phenylalanine.
Molecular consequence: missense variant.
Genome position (GRCh38, 1-based): chr19:45,179,852, A>T. VCF-style: chr19-45179852-A-T. GRCh37 (hg19) VCF-style: chr19-45683110-A-T.
Other names: short protein forms I186F.
Identifiers: ClinVar variation 2053206 (VCV002053206.1), dbSNP rs1249788066, ClinGen allele CA406345041.